The following is an entry in ClinVar:

ClinVar aggregate classification (germline): Uncertain significance (1 of 4 stars; one submission).

Allele frequency attached by ClinVar (database versions not stated): gnomAD exomes below 0.00001; ExAC 0.00001; gnomAD 0.00001; TOPMed 0.00001; 1000 Genomes Project 30x 0.00016; 1000 Genomes Project 0.00020.
gnomAD v4.1: 3 of 1,612,304 alleles (0.00019%); highest among the groups gnomAD compares: South Asian, 0.0011%; no homozygotes.

Submission:

Labcorp Genetics (formerly Invitae), Labcorp
Classification: Uncertain significance. Last evaluated: 2023-11-27. Review status: criteria provided, single submitter. Criteria: Invitae Variant Classification Sherloc (09022015). Collection method: clinical testing. Allele origin: germline.
Comment: This sequence change replaces serine, which is neutral and polar, with leucine, which is neutral and non-polar, at codon 249 of the DGKZ protein (p.Ser249Leu). This variant is present in population databases (rs568978655, gnomAD 0.003%). This variant has not been reported in the literature in individuals affected with DGKZ-related conditions. An algorithm developed to predict the effect of missense changes on protein structure and function (PolyPhen-2) suggests that this variant is likely to be tolerated. In summary, the available evidence is currently insufficient to determine the role of this variant in disease. Therefore, it has been classified as a Variant of Uncertain Significance.

NM_001199267.2(DGKZ):c.179C>T (p.Ser60Leu)

Gene: DGKZ (diacylglycerol kinase zeta; plus strand). Cytogenetic location: 11p11.2.
Variant type: single nucleotide variant.
Coding change: c.179C>T on transcript NM_001199267.2 (MANE Select); coding-DNA position 179, C replaced by T.
Protein change: p.Ser60Leu; replaces serine 60 with leucine.
Molecular consequence: missense variant.
Genome position (GRCh38, 1-based): chr11:46,367,308, C>T. VCF-style: chr11-46367308-C-T. GRCh37 (hg19) VCF-style: chr11-46388858-C-T.
Other names: c.746C>T, p.Ser249Leu (NM_001105540.2); c.179C>T, p.Ser60Leu (NM_001199266.2, NM_001199268.2, NM_003646.4); c.230C>T, p.Ser77Leu (NM_201532.3); c.194C>T, p.Ser65Leu (NM_201533.3); short protein forms S77L, S60L, S65L, S249L.
Identifiers: ClinVar variation 3001067 (VCV003001067.3), dbSNP rs568978655, ClinGen allele CA5962239.
Genomic context (GRCh38, chr11:46,367,308, plus strand): 5'-AGCAAGTGCTCAGCCCCCTCCTCAGCTGTCTTCTCCTCTCTAGGAAAGCCATCACCAAGT[C>T]GGGCCTCCAGCACCTGGCCCCCCCTCCGCCCACCCCTGGGGCCCCGTGCAGCGAGTCAGA-3'
Protein context (NP_001186196.1, residues 50-70): LFGHRKAITK[Ser60Leu]GLQHLAPPPP